The following is an entry in ClinVar:

ClinVar aggregate classification (germline): Pathogenic (1 of 4 stars; one submission).

Submission:

Labcorp Genetics (formerly Invitae), Labcorp
Classification: Pathogenic. Last evaluated: 2022-12-16. Review status: criteria provided, single submitter. Criteria: Invitae Variant Classification Sherloc (09022015). Collection method: clinical testing. Allele origin: germline.
Comment: For these reasons, this variant has been classified as Pathogenic. This variant has not been reported in the literature in individuals affected with TYRP1-related conditions. This variant is not present in population databases (gnomAD no frequency). This sequence change creates a premature translational stop signal (p.Tyr79*) in the TYRP1 gene. It is expected to result in an absent or disrupted protein product. Loss-of-function variants in TYRP1 are known to be pathogenic (PMID: 8651291, 9345097).

Literature cited by the submitters: PubMed 8651291; PubMed 9345097.

NM_000550.3(TYRP1):c.237T>A (p.Tyr79Ter)

Gene: TYRP1 (tyrosinase related protein 1; plus strand). Cytogenetic location: 9p23.
Variant type: single nucleotide variant.
Coding change: c.237T>A on transcript NM_000550.3 (MANE Select); coding-DNA position 237, T replaced by A.
Protein change: p.Tyr79Ter; replaces tyrosine 79 with a stop codon.
Molecular consequence: nonsense.
Genome position (GRCh38, 1-based): chr9:12,694,233, T>A. VCF-style: chr9-12694233-T-A. GRCh37 (hg19) VCF-style: chr9-12694233-T-A.
Other names: short protein forms Y79*.
Identifiers: ClinVar variation 2821508 (VCV002821508.3), dbSNP rs2537274368, ClinGen allele CA372936604.